The following is an entry in ClinVar:

NM_015215.4(CAMTA1):c.2140A>G (p.Ser714Gly)

Gene: CAMTA1 (calmodulin binding transcription activator 1; plus strand). Cytogenetic location: 1p36.23.
Variant type: single nucleotide variant.
Coding change: c.2140A>G on transcript NM_015215.4 (MANE Select); coding-DNA position 2140, A replaced by G.
Protein change: p.Ser714Gly; replaces serine 714 with glycine.
Molecular consequence: missense variant.
Genome position (GRCh38, 1-based): chr1:7,664,687, A>G. VCF-style: chr1-7664687-A-G. GRCh37 (hg19) VCF-style: chr1-7724747-A-G.
Other names: c.2050A>G, p.Ser684Gly (NM_001349608.2, NM_001349612.2); c.2140A>G, p.Ser714Gly (NM_001349609.2, NM_001349610.2, NM_001410737.1); c.2068A>G, p.Ser690Gly (NM_001410738.1); c.2140A>G (NM_015215.2); short protein forms S684G, S690G, S714G.
Identifiers: ClinVar variation 2969889 (VCV002969889.4), dbSNP rs1174536251, ClinGen allele CA338132734.

ClinVar aggregate classification (germline): Conflicting classifications of pathogenicity. Review status: criteria provided, conflicting classifications (1 of 4 stars). 2 submissions from 2 submitters: Uncertain significance (1); Likely benign (1). Last evaluated 2025-10-02.

Conditions:
Inborn genetic diseases. Identifiers: MedGen C0950123, MeSH D030342.

Allele frequency attached by ClinVar (database versions not stated): gnomAD exomes 0.00001; TOPMed 0.00004; gnomAD 0.00005.
gnomAD v4.1: 26 of 1,606,148 alleles (0.0016%); highest among the groups gnomAD compares: African/African-American, 0.0027%; no homozygotes.

Submissions (2):

Ambry Genetics
Classification: Likely benign for Inborn genetic diseases. Last evaluated: 2025-10-02. Review status: criteria provided, single submitter. Criteria: Ambry Variant Classification Scheme 2023. Collection method: clinical testing. Allele origin: germline.

Labcorp Genetics (formerly Invitae), Labcorp
Classification: Uncertain significance. Last evaluated: 2023-11-20. Review status: criteria provided, single submitter. Criteria: Invitae Variant Classification Sherloc (09022015). Collection method: clinical testing. Allele origin: germline.
Comment: This sequence change replaces serine, which is neutral and polar, with glycine, which is neutral and non-polar, at codon 714 of the CAMTA1 protein (p.Ser714Gly). This variant is present in population databases (no rsID available, gnomAD 0.002%). This variant has not been reported in the literature in individuals affected with CAMTA1-related conditions. Algorithms developed to predict the effect of missense changes on protein structure and function output the following: SIFT: "Not Available"; PolyPhen-2: "Benign"; Align-GVGD: "Not Available". The glycine amino acid residue is found in multiple mammalian species, which suggests that this missense change does not adversely affect protein function. In summary, the available evidence is currently insufficient to determine the role of this variant in disease. Therefore, it has been classified as a Variant of Uncertain Significance.